The following is an entry in ClinVar:

ClinVar aggregate classification (germline): Likely pathogenic (1 of 4 stars; one submission).

Conditions:
Cockayne syndrome type 2 (CSB). Also called: COCKAYNE SYNDROME B; Cockayne Syndrome, Type II. Identifiers: Orphanet 191, Orphanet 90322, MedGen C0751038, MONDO:0019570, OMIM 133540.

Submission:

Myriad Genetics, Inc.
Classification: Likely pathogenic for Cockayne syndrome type 2. Last evaluated: 2021-12-07. Review status: criteria provided, single submitter. Criteria: Myriad Women's Health Autosomal Recessive and X-Linked Classification Criteria (2021). Collection method: clinical testing. Allele origin: unknown.
Comment: NM_000124.2(ERCC6):c.3598_3599delCT(L1200Efs*7) is expected to be pathogenic in the context of ERCC6-related disorders. This variant is predicted to lead to an abnormal or absent protein product due to the creation of a premature termination codon in ERCC6, a gene where loss-of-function variants are known to be pathogenic. Please note: this variant was assessed in the context of healthy population screening.

NM_000124.4(ERCC6):c.3598_3599del (p.Leu1200fs)

Gene: ERCC6 (ERCC excision repair 6, chromatin remodeling factor; minus strand). Cytogenetic location: 10q11.23.
Variant type: Deletion.
Coding change: c.3598_3599del on transcript NM_000124.4 (MANE Select); coding-DNA positions 3598 to 3599, 2 bases deleted (CT; older notation c.3598_3599delCT).
Protein change: p.Leu1200fs; shifts the reading frame from leucine 1200.
Molecular consequence: frameshift variant.
Genome position (GRCh38, 1-based): chr10:49,470,361-49,470,362, AG deleted on the plus strand (CT on the coding strand, the reverse complement: ERCC6 is on the minus strand); deleting any 2 consecutive bases within chr10:49,470,361-49,470,363 gives the same sequence; the c. name uses the placement nearest the transcript's 3' end. VCF-style (leftmost placement, unchanged base first): chr10-49470360-CAG-C. GRCh37 (hg19) VCF-style: chr10-50678406-CAG-C.
Other names: c.3598_3599del, p.Leu1200fs (NM_001346440.2); short protein forms L1200fs.
Identifiers: ClinVar variation 1725809 (VCV001725809.2), dbSNP rs2495971159, ClinGen allele CA2580081538.
Genomic context (GRCh38, chr10:49,470,360, plus strand): 5'-AGTTCCTTCAAACTTGGCGTCTCTGCAATGCTTAGAGTTCTTAGGCTTTTGCTTTGGTCT[CAG>C]ATGTTTCTCCAGGGTCTCTTCTTCTGCCACACTATGATGTTTTGTTTTTGACTTGTGCTT-3'